The following is an entry in ClinVar:

ClinVar aggregate classification (germline): Conflicting classifications of pathogenicity. Review status: criteria provided, conflicting classifications (1 of 4 stars). 2 submissions from 2 submitters: Likely pathogenic (1); Uncertain significance (1). Last evaluated 2025-04-10.

Conditions:
NPHP3-related Meckel-like syndrome. Also called: Meckel syndrome type 7; GOLDSTON SYNDROME. Identifiers: Orphanet 3032, MedGen C2673885, MONDO:0009966, OMIM 267010.
NPHP3-related disorder. Also called: NPHP3-related disorders; NPHP3-related condition. Identifiers: MedGen CN379163.

Allele frequency attached by ClinVar (database versions not stated): TOPMed below 0.00001; gnomAD 0.00001; ESP Exome Variant Server 0.00008.
gnomAD v4.1: 25 of 1,614,008 alleles (0.0015%); highest among the groups gnomAD compares: Non-Finnish European, 0.002%; no homozygotes.

Submissions (2):

PreventionGenetics, part of Exact Sciences
Classification: Likely pathogenic for NPHP3-related condition. Last evaluated: 2025-04-10. Review status: criteria provided, single submitter. Criteria: ACMG Guidelines, 2015. Collection method: clinical testing. Allele origin: germline.
Comment: The NPHP3 c.1275+3A>T variant is predicted to interfere with splicing. To our knowledge, this variant has not been reported in the literature. RNA sequencing targeted variant analysis indicated this variant impacts splicing (Internal Data, PreventionGenetics). This variant is reported in 0.0026% of alleles in individuals of European (Non-Finnish) descent in gnomAD. This variant is interpreted as likely pathogenic.

Centre for Mendelian Genomics, University Medical Centre Ljubljana
Classification: Uncertain significance for NPHP3-related Meckel-like syndrome. Last evaluated: 2019-08-12. Review status: criteria provided, single submitter. Criteria: ACMG Guidelines, 2015. Collection method: clinical testing. Allele origin: unknown. Affected: yes.
Comment: This variant was classified as: Uncertain significance. The available evidence favors the pathogenic nature of this variant, however the currently available data is insufficient to conclusively support its pathogenic nature. Thus this variant is classified as Uncertain significance - favor pathogenic. The following ACMG criteria were applied in classifying this variant: PM2,PP3.

NM_153240.5(NPHP3):c.1275+3A>T

Genes: NPHP3-ACAD11 (NPHP3-ACAD11 readthrough (NMD candidate); minus strand), NPHP3 (nephrocystin 3; minus strand). Cytogenetic location: 3q22.1.
Variant type: single nucleotide variant.
Coding change: c.1275+3A>T on transcript NM_153240.5 (MANE Select); 3 bases into the intron after coding-DNA position 1275, A replaced by T.
Molecular consequence: intron variant.
Genome position (GRCh38, 1-based): chr3:132,708,098, T>A on the plus strand (A>T on the coding strand, the complement: NPHP3 is on the minus strand). VCF-style: chr3-132708098-T-A. GRCh37 (hg19) VCF-style: chr3-132426942-T-A.
Identifiers: ClinVar variation 931715 (VCV000931715.6), dbSNP rs370712498, ClinGen allele CA2622363.